The following is an entry in ClinVar:

NM_021922.3(FANCE):c.313G>C (p.Val105Leu)

Gene: FANCE (FA complementation group E; plus strand). Cytogenetic location: 6p21.31.
Variant type: single nucleotide variant.
Coding change: c.313G>C on transcript NM_021922.3 (MANE Select); coding-DNA position 313, G replaced by C.
Protein change: p.Val105Leu; replaces valine 105 with leucine.
Molecular consequence: missense variant.
Genome position (GRCh38, 1-based): chr6:35,455,811, G>C. VCF-style: chr6-35455811-G-C. GRCh37 (hg19) VCF-style: chr6-35423588-G-C.
Other names: short protein forms V105L.
Identifiers: ClinVar variation 1351733 (VCV001351733.3), dbSNP rs373159305, ClinGen allele CA3771381.

ClinVar aggregate classification (germline): Uncertain significance (1 of 4 stars; one submission).

Conditions:
Fanconi anemia complementation group E (FANCE). Also called: FANCE-Related Fanconi Anemia. Identifiers: Orphanet 84, MedGen C3160739, MONDO:0010953, OMIM 600901.

gnomAD v4.1: 26 of 1,614,030 alleles (0.0016%); highest among the groups gnomAD compares: South Asian, 0.026%; no homozygotes.

Submission:

Labcorp Genetics (formerly Invitae), Labcorp
Classification: Uncertain significance for Fanconi anemia complementation group E. Last evaluated: 2022-09-27. Review status: criteria provided, single submitter. Criteria: Invitae Variant Classification Sherloc (09022015). Collection method: clinical testing. Allele origin: germline.
Comment: This sequence change replaces valine, which is neutral and non-polar, with leucine, which is neutral and non-polar, at codon 105 of the FANCE protein (p.Val105Leu). This variant is present in population databases (rs373159305, gnomAD 0.03%). This variant has not been reported in the literature in individuals affected with FANCE-related conditions. ClinVar contains an entry for this variant (Variation ID: 1351733). Advanced modeling of protein sequence and biophysical properties (such as structural, functional, and spatial information, amino acid conservation, physicochemical variation, residue mobility, and thermodynamic stability) performed at Invitae indicates that this missense variant is not expected to disrupt FANCE protein function. In summary, the available evidence is currently insufficient to determine the role of this variant in disease. Therefore, it has been classified as a Variant of Uncertain Significance.